The following is an entry in ClinVar:

ClinVar aggregate classification (germline): Uncertain significance. Review status: criteria provided, multiple submitters, no conflicts (2 of 4 stars). 2 submissions from 2 submitters: Uncertain significance (2). Last evaluated 2025-01-29.

Conditions:
Hereditary cancer-predisposing syndrome. Also called: Hereditary Cancer Syndrome; Hereditary neoplastic syndrome; Neoplastic Syndromes, Hereditary; Tumor predisposition. Identifiers: Orphanet 140162, MedGen C0027672, MeSH D009386, MONDO:0015356.

Submissions (2):

Ambry Genetics
Classification: Uncertain significance for Hereditary cancer-predisposing syndrome. Last evaluated: 2025-01-29. Review status: criteria provided, single submitter. Criteria: Ambry Variant Classification Scheme 2023. Collection method: clinical testing. Allele origin: germline.
Comment: The p.S474C variant (also known as c.1420A>T), located in coding exon 15 of the RB1 gene, results from an A to T substitution at nucleotide position 1420. The serine at codon 474 is replaced by cysteine, an amino acid with dissimilar properties. This amino acid position is highly conserved in available vertebrate species. In addition, this alteration is predicted to be deleterious by in silico analysis. Based on the available evidence, the clinical significance of this variant remains unclear.

Blueprint Genetics
Classification: Uncertain significance. Last evaluated: 2023-11-13. Review status: criteria provided, single submitter. Criteria: ACMG Guidelines, 2015. Collection method: clinical testing. Allele origin: germline.

NM_000321.3(RB1):c.1420A>T (p.Ser474Cys)

Gene: RB1 (RB transcriptional corepressor 1; plus strand). Cytogenetic location: 13q14.2.
Variant type: single nucleotide variant.
Coding change: c.1420A>T on transcript NM_000321.3 (MANE Select); coding-DNA position 1420, A replaced by T.
Protein change: p.Ser474Cys; replaces serine 474 with cysteine.
Molecular consequence: missense variant.
Genome position (GRCh38, 1-based): chr13:48,380,083, A>T. VCF-style: chr13-48380083-A-T. GRCh37 (hg19) VCF-style: chr13-48954219-A-T.
Other names: c.1420A>T, p.Ser474Cys (NM_001407165.1, NM_001407166.1); short protein forms S474C.
Identifiers: ClinVar variation 1772248 (VCV001772248.4), dbSNP rs2138142343, ClinGen allele CA388162739.